The following is an entry in ClinVar:

NM_003265.3(TLR3):c.1124T>C (p.Phe375Ser)

Gene: TLR3 (toll like receptor 3; plus strand). Cytogenetic location: 4q35.1.
Variant type: single nucleotide variant.
Coding change: c.1124T>C on transcript NM_003265.3 (MANE Select); coding-DNA position 1124, T replaced by C.
Protein change: p.Phe375Ser; replaces phenylalanine 375 with serine.
Molecular consequence: missense variant.
Genome position (GRCh38, 1-based): chr4:186,082,810, T>C. VCF-style: chr4-186082810-T-C. GRCh37 (hg19) VCF-style: chr4-187003964-T-C.
Other names: short protein forms F375S.
Identifiers: ClinVar variation 1714661 (VCV001714661.6), dbSNP rs2478225658, ClinGen allele CA358931023.

ClinVar aggregate classification (germline): Uncertain significance (1 of 4 stars; one submission).

Conditions:
Encephalopathy, acute, infection-induced (herpes-specific), susceptibility to, 1. Also called: Herpes simplex encephalitis, susceptibility to, 1. Identifiers: Orphanet 1930, MedGen C2750180, MONDO:0024563, OMIM 610551.

Submission:

Labcorp Genetics (formerly Invitae), Labcorp
Classification: Uncertain significance for Encephalopathy, acute, infection-induced (herpes-specific), susceptibility to, 1. Last evaluated: 2023-11-28. Review status: criteria provided, single submitter. Criteria: Invitae Variant Classification Sherloc (09022015). Collection method: clinical testing. Allele origin: germline.
Comment: This sequence change replaces phenylalanine, which is neutral and non-polar, with serine, which is neutral and polar, at codon 375 of the TLR3 protein (p.Phe375Ser). This variant is not present in population databases (gnomAD no frequency). This variant has not been reported in the literature in individuals affected with TLR3-related conditions. ClinVar contains an entry for this variant (Variation ID: 1714661). An algorithm developed to predict the effect of missense changes on protein structure and function (PolyPhen-2) suggests that this variant is likely to be disruptive. In summary, the available evidence is currently insufficient to determine the role of this variant in disease. Therefore, it has been classified as a Variant of Uncertain Significance.